The following is an entry in ClinVar:

ClinVar aggregate classification (germline): Pathogenic (1 of 4 stars; one submission).

Submission:

GeneDx
Classification: Pathogenic. Last evaluated: 2023-03-13. Review status: criteria provided, single submitter. Criteria: GeneDx Variant Classification Process June 2021. Collection method: clinical testing. Allele origin: germline. Affected: yes.
Comment: Also known as c.191-11T>A; Non-canonical splice site variant demonstrated to result in loss of function (Tanner et al., 1999); Not observed at significant frequency in large population cohorts (gnomAD); This variant is associated with the following publications: (PMID: 25525159, 10790201, 12031625, 10063835)

NM_000252.3(MTM1):c.137-11T>A

Gene: MTM1 (myotubularin 1; plus strand). Cytogenetic location: Xq28.
Variant type: single nucleotide variant.
Coding change: c.137-11T>A on transcript NM_000252.3 (MANE Select); 11 bases into the intron before coding-DNA position 137, T replaced by A.
Molecular consequence: intron variant.
Genome position (GRCh38, 1-based): chrX:150,598,581, T>A. VCF-style: chrX-150598581-T-A. GRCh37 (hg19) VCF-style: chrX-149767045-T-A.
Other names: c.137-11T>A (NM_001376908.1, NM_001376906.1, NM_001376907.1).
Identifiers: ClinVar variation 449364 (VCV000449364.3), dbSNP rs1557412659, ClinGen allele CA658659049.